The following is an entry in ClinVar:

NM_002878.4(RAD51D):c.935G>C (p.Gly312Ala)

Genes: RAD51D (RAD51 paralog D; minus strand), RAD51L3-RFFL (RAD51L3-RFFL readthrough; minus strand). Cytogenetic location: 17q12.
Variant type: single nucleotide variant.
Coding change: c.935G>C on transcript NM_002878.4 (MANE Select); coding-DNA position 935, G replaced by C.
Protein change: p.Gly312Ala; replaces glycine 312 with alanine.
Molecular consequence: missense variant. On other transcripts: non-coding transcript variant (2).
Genome position (GRCh38, 1-based): chr17:35,101,005, C>G on the plus strand (G>C on the coding strand, the complement: RAD51D is on the minus strand). VCF-style: chr17-35101005-C-G. GRCh37 (hg19) VCF-style: chr17-33428024-C-G.
Other names: c.995G>C, p.Gly332Ala (NM_001142571.2); c.599G>C, p.Gly200Ala (NM_133629.3); short protein forms G312A, G332A, G200A.
Identifiers: ClinVar variation 922195 (VCV000922195.4), dbSNP rs1597855435, ClinGen allele CA399086127.
Genomic context (GRCh38, chr17:35,101,005, plus strand): 5'-AGCACAGGTCATGTCTGATCACCCTGTAATGTGGCACTCTGCTCTGAGGTCCCCCAGGTC[C>G]CAATGTCTACCATCTCCTGGAAACCTGTTGGCTGGAAGAAGAAGTAAGGAGTCAGTGGAG-3'
Protein context (NP_002869.3, residues 302-322): PTGFQEMVDI[Gly312Ala]TWGTSEQSAT

ClinVar aggregate classification (germline): Uncertain significance (1 of 4 stars; one submission).

Conditions:
Hereditary cancer-predisposing syndrome. Also called: Neoplastic Syndromes, Hereditary; Tumor predisposition; Hereditary Cancer Syndrome; Hereditary neoplastic syndrome. Identifiers: Orphanet 140162, MedGen C0027672, MeSH D009386, MONDO:0015356.

Submission:

Color Diagnostics, LLC DBA Color Health
Classification: Uncertain significance for Hereditary cancer-predisposing syndrome. Last evaluated: 2023-12-05. Review status: criteria provided, single submitter. Criteria: ACMG Guidelines, 2015. Collection method: clinical testing. Allele origin: germline.
Comment: This missense variant replaces glycine with alanine at codon 312 of the RAD51D protein. Computational prediction suggests that this variant may not impact protein structure and function (internally defined REVEL score threshold <= 0.5, PMID: 27666373). To our knowledge, functional studies have not been reported for this variant. This variant has not been reported in individuals affected with RAD51D-related disorders in the literature. This variant has not been identified in the general population by the Genome Aggregation Database (gnomAD). The available evidence is insufficient to determine the role of this variant in disease conclusively. Therefore, this variant is classified as a Variant of Uncertain Significance.